The following is an entry in ClinVar:

NM_001387430.1(SH2B1):c.763T>G (p.Phe255Val)

Gene: SH2B1 (SH2B adaptor protein 1; plus strand). Cytogenetic location: 16p11.2.
Variant type: single nucleotide variant.
Coding change: c.763T>G on transcript NM_001387430.1 (MANE Select); coding-DNA position 763, T replaced by G.
Protein change: p.Phe255Val; replaces phenylalanine 255 with valine.
Molecular consequence: missense variant. On other transcripts: intron variant (1).
Genome position (GRCh38, 1-based): chr16:28,866,857, T>G. VCF-style: chr16-28866857-T-G. GRCh37 (hg19) VCF-style: chr16-28878178-T-G.
Other names: c.763T>G, p.Phe255Val (NM_001145795.2, NM_001145796.2, NM_001145797.2 and 4 more transcripts); c.-26-517T>G (NM_001308294.2); short protein forms F255V.
Identifiers: ClinVar variation 3953345 (VCV003953345.2).

ClinVar aggregate classification (germline): Uncertain significance. Review status: criteria provided, multiple submitters, no conflicts (2 of 4 stars). 2 submissions from 2 submitters: Uncertain significance (2). Last evaluated 2026-01-01.

Submissions (2):

Labcorp Genetics (formerly Invitae), Labcorp
Classification: Uncertain significance. Last evaluated: 2026-01-01. Review status: criteria provided, single submitter. Criteria: Invitae Variant Classification Sherloc (09022015). Collection method: clinical testing. Allele origin: germline.
Comment: This sequence change replaces phenylalanine, which is neutral and non-polar, with valine, which is neutral and non-polar, at codon 255 of the SH2B1 protein (p.Phe255Val). This variant is not present in population databases (gnomAD no frequency). This variant has not been reported in the literature in individuals affected with SH2B1-related conditions. ClinVar contains an entry for this variant (Variation ID: 3953345). An algorithm developed to predict the effect of missense changes on protein structure and function (PolyPhen-2) suggests that this variant is likely to be disruptive. In summary, the available evidence is currently insufficient to determine the role of this variant in disease. Therefore, it has been classified as a Variant of Uncertain Significance.

Ambry Genetics
Classification: Uncertain significance. Last evaluated: 2025-06-03. Review status: criteria provided, single submitter. Criteria: Ambry Variant Classification Scheme 2023. Collection method: clinical testing. Allele origin: germline.